The following is an entry in ClinVar:

ClinVar aggregate classification (germline): Uncertain significance (1 of 4 stars; one submission).

gnomAD v4.1: 25 of 1,611,096 alleles (0.0016%); highest among the groups gnomAD compares: Non-Finnish European, 0.0021%; no homozygotes.

Submission:

Labcorp Genetics (formerly Invitae), Labcorp
Classification: Uncertain significance. Last evaluated: 2024-10-15. Review status: criteria provided, single submitter. Criteria: Invitae Variant Classification Sherloc (09022015). Collection method: clinical testing. Allele origin: germline.
Comment: This sequence change replaces valine, which is neutral and non-polar, with methionine, which is neutral and non-polar, at codon 952 of the SBF1 protein (p.Val952Met). This variant is not present in population databases (gnomAD no frequency). This variant has not been reported in the literature in individuals affected with SBF1-related conditions. ClinVar contains an entry for this variant (Variation ID: 1404627). Invitae Evidence Modeling of protein sequence and biophysical properties (such as structural, functional, and spatial information, amino acid conservation, physicochemical variation, residue mobility, and thermodynamic stability) indicates that this missense variant is expected to disrupt SBF1 protein function with a positive predictive value of 80%. In summary, the available evidence is currently insufficient to determine the role of this variant in disease. Therefore, it has been classified as a Variant of Uncertain Significance.

NM_002972.4(SBF1):c.2854G>A (p.Val952Met)

Gene: SBF1 (SET binding factor 1; minus strand). Cytogenetic location: 22q13.33.
Variant type: single nucleotide variant.
Coding change: c.2854G>A on transcript NM_002972.4 (MANE Select); coding-DNA position 2854, G replaced by A.
Protein change: p.Val952Met; replaces valine 952 with methionine.
Molecular consequence: missense variant.
Genome position (GRCh38, 1-based): chr22:50,461,272, C>T on the plus strand (G>A on the coding strand, the complement: SBF1 is on the minus strand). VCF-style: chr22-50461272-C-T. GRCh37 (hg19) VCF-style: chr22-50899701-C-T.
Other names: c.2857G>A, p.Val953Met (NM_001365819.1); short protein forms V953M, V952M.
Identifiers: ClinVar variation 1404627 (VCV001404627.7), dbSNP rs2148587875, ClinGen allele CA412208203.